The following is an entry in ClinVar:

NM_000064.4(C3):c.1976A>C (p.Glu659Ala)

Gene: C3 (complement C3; minus strand). Cytogenetic location: 19p13.3.
Variant type: single nucleotide variant.
Coding change: c.1976A>C on transcript NM_000064.4 (MANE Select); coding-DNA position 1976, A replaced by C.
Protein change: p.Glu659Ala; replaces glutamic acid 659 with alanine.
Molecular consequence: missense variant.
Genome position (GRCh38, 1-based): chr19:6,707,537, T>G on the plus strand (A>C on the coding strand, the complement: C3 is on the minus strand). VCF-style: chr19-6707537-T-G. GRCh37 (hg19) VCF-style: chr19-6707548-T-G.
Other names: short protein forms E659A.
Identifiers: ClinVar variation 4280150 (VCV004280150.1).

ClinVar aggregate classification (germline): Uncertain significance (1 of 4 stars; one submission).

Conditions:
Complement component 3 deficiency. Identifiers: Orphanet 280133, MedGen C3151071, MONDO:0013417, OMIM 613779.
C3 glomerulonephritis. Also called: Nephropathy due to CFHR5 Deficiency; C3 GLOMERULOPATHY 3. Identifiers: Orphanet 329931, MedGen C4055342, MONDO:0013892, OMIM 614809.
Atypical hemolytic-uremic syndrome. Identifiers: Orphanet 2134, MedGen C2931788, MONDO:0016244.

Submission:

Genomenon, Inc
Classification: Uncertain significance for Complement component 3 deficiency; C3 glomerulonephritis; Atypical hemolytic-uremic syndrome. Last evaluated: 2025-09-30. Review status: criteria provided, single submitter. Criteria: Genomenon Sequence Variant Interpretation Standards. Collection method: curation. Allele origin: germline. Affected: no.
Comment: C3 p.Glu659Ala (c.1976A>C) is a missense variant that changes the amino acid at residue 659 from Glutamic acid to Alanine. This variant has been reported in the published literature (PMID:28254726). It is absent or not present at a significant frequency in gnomAD. In silico models agree that this variant is not damaging. In conclusion, we classify C3 p.Glu659Ala (c.1976A>C) as a variant of unknown significance.

Literature cited by the submitters: PubMed 28254726.